The following is an entry in ClinVar:

ClinVar aggregate classification (germline): Uncertain significance (1 of 4 stars; one submission).

Conditions:
Progressive sclerosing poliodystrophy (MTDPS4A). Also called: ALPERS PROGRESSIVE INFANTILE POLIODYSTROPHY; NEURONAL DEGENERATION OF CHILDHOOD WITH LIVER DISEASE, PROGRESSIVE; Alpers Syndrome; ALPERS DIFFUSE DEGENERATION OF CEREBRAL GRAY MATTER WITH HEPATIC CIRRHOSIS; Alpers-Huttenlocher Syndrome; Mitochondrial DNA depletion syndrome 4A (Alpers type). Identifiers: Orphanet 726, MedGen C0205710, MONDO:0008758, OMIM 203700.

gnomAD v4.1: 2 of 1,535,116 alleles (0.00013%); highest among the groups gnomAD compares: East Asian, 0.0024%; no homozygotes.

Submission:

Labcorp Genetics (formerly Invitae), Labcorp
Classification: Uncertain significance for Progressive sclerosing poliodystrophy. Last evaluated: 2024-06-03. Review status: criteria provided, single submitter. Criteria: Invitae Variant Classification Sherloc (09022015). Collection method: clinical testing. Allele origin: germline.
Comment: This sequence change replaces arginine, which is basic and polar, with cysteine, which is neutral and slightly polar, at codon 3 of the POLG protein (p.Arg3Cys). This variant is not present in population databases (gnomAD no frequency). This variant has not been reported in the literature in individuals affected with POLG-related conditions. Advanced modeling of protein sequence and biophysical properties (such as structural, functional, and spatial information, amino acid conservation, physicochemical variation, residue mobility, and thermodynamic stability) has been performed at Invitae for this missense variant, however the output from this modeling did not meet the statistical confidence thresholds required to predict the impact of this variant on POLG protein function. In summary, the available evidence is currently insufficient to determine the role of this variant in disease. Therefore, it has been classified as a Variant of Uncertain Significance.

NM_002693.3(POLG):c.7C>T (p.Arg3Cys)

Genes: POLG (DNA polymerase gamma, catalytic subunit; minus strand), POLGARF (POLG alternative reading frame; minus strand). Cytogenetic location: 15q26.1.
Variant type: single nucleotide variant.
Coding change: c.7C>T on transcript NM_002693.3 (MANE Select); coding-DNA position 7, C replaced by T.
Protein change: p.Arg3Cys; replaces arginine 3 with cysteine.
Molecular consequence: missense variant.
Genome position (GRCh38, 1-based): chr15:89,333,748, G>A on the plus strand (C>T on the coding strand, the complement: POLG is on the minus strand). VCF-style: chr15-89333748-G-A. GRCh37 (hg19) VCF-style: chr15-89876979-G-A.
Other names: c.62C>T, p.Pro21Leu (NM_001430120.1); c.7C>T, p.Arg3Cys (NM_001126131.2); short protein forms P21L, R3C.
Identifiers: ClinVar variation 3625760 (VCV003625760.2).
Genomic context (GRCh38, chr15:89,333,748, plus strand): 5'-CCGGAGCTGGAACCGGCCCTGGCCCGACGGTGGCGCCGGCCACCTTCCTCCAGAGCAGGC[G>A]GCTCATGGTTGGTGCAGGGACCCCCACGCTGGGAGTCAGAACACCTGGCTTTGGGCTCCA-3'
Protein context (NP_002684.1, residues 1-13): MS[Arg3Cys]LLWRKVAGAT